The following is an entry in ClinVar:

ClinVar aggregate classification (germline): Uncertain significance (1 of 4 stars; one submission).

Allele frequency attached by ClinVar (database versions not stated): ExAC 0.00004; gnomAD 0.00006; TOPMed 0.00013; ESP Exome Variant Server 0.00015.
gnomAD v4.1: 31 of 1,601,286 alleles (0.0019%); highest among the groups gnomAD compares: African/African-American, 0.02%; no homozygotes.

Submission:

Labcorp Genetics (formerly Invitae), Labcorp
Classification: Uncertain significance. Last evaluated: 2025-12-11. Review status: criteria provided, single submitter. Criteria: Invitae Variant Classification Sherloc (09022015). Collection method: clinical testing. Allele origin: germline.
Comment: This sequence change falls in intron 14 of the SIN3A gene. It does not directly change the encoded amino acid sequence of the SIN3A protein. It affects a nucleotide within the consensus splice site. This variant is present in population databases (rs372562334, gnomAD 0.03%). This variant has not been reported in the literature in individuals affected with SIN3A-related conditions. ClinVar contains an entry for this variant (Variation ID: 2713443). Variants that disrupt the consensus splice site are a relatively common cause of aberrant splicing (PMID: 17576681, 9536098). Algorithms developed to predict the effect of sequence changes on RNA splicing suggest that this variant is not likely to affect RNA splicing. In summary, the available evidence is currently insufficient to determine the role of this variant in disease. Therefore, it has been classified as a Variant of Uncertain Significance.

Literature cited by the submitters: PubMed 17576681; PubMed 9536098.

NM_001145358.2(SIN3A):c.2277+6C>T

Gene: SIN3A (SIN3 transcription regulator family member A; minus strand). Cytogenetic location: 15q24.2.
Variant type: single nucleotide variant.
Coding change: c.2277+6C>T on transcript NM_001145358.2 (MANE Select); 6 bases into the intron after coding-DNA position 2277, C replaced by T.
Molecular consequence: intron variant.
Genome position (GRCh38, 1-based): chr15:75,394,674, G>A on the plus strand (C>T on the coding strand, the complement: SIN3A is on the minus strand). VCF-style: chr15-75394674-G-A. GRCh37 (hg19) VCF-style: chr15-75687015-G-A.
Other names: c.2277+6C>T (NM_001145357.2, NM_015477.3).
Identifiers: ClinVar variation 2713443 (VCV002713443.3), dbSNP rs372562334, ClinGen allele CA7667492.